The following is an entry in ClinVar:

ClinVar aggregate classification (germline): Uncertain significance (1 of 4 stars; one submission).

Conditions:
Hereditary cancer-predisposing syndrome. Also called: Tumor predisposition; Hereditary neoplastic syndrome; Hereditary Cancer Syndrome; Neoplastic Syndromes, Hereditary. Identifiers: Orphanet 140162, MedGen C0027672, MeSH D009386, MONDO:0015356.

Submission:

Ambry Genetics
Classification: Uncertain significance for Hereditary cancer-predisposing syndrome. Last evaluated: 2025-05-21. Review status: criteria provided, single submitter. Criteria: Ambry Variant Classification Scheme 2023. Collection method: clinical testing. Allele origin: germline.
Comment: The p.F173L variant (also known as c.519C>G), located in coding exon 3 of the TMEM127 gene, results from a C to G substitution at nucleotide position 519. The phenylalanine at codon 173 is replaced by leucine, an amino acid with highly similar properties. This amino acid position is conserved. In addition, this alteration is predicted to be deleterious by in silico analysis. Based on the available evidence, the clinical significance of this variant remains unclear.

NM_017849.4(TMEM127):c.519C>G (p.Phe173Leu)

Gene: TMEM127 (transmembrane protein 127; minus strand). Cytogenetic location: 2q11.2.
Variant type: single nucleotide variant.
Coding change: c.519C>G on transcript NM_017849.4 (MANE Select); coding-DNA position 519, C replaced by G.
Protein change: p.Phe173Leu; replaces phenylalanine 173 with leucine.
Molecular consequence: missense variant.
Genome position (GRCh38, 1-based): chr2:96,254,006, G>C on the plus strand (C>G on the coding strand, the complement: TMEM127 is on the minus strand). VCF-style: chr2-96254006-G-C. GRCh37 (hg19) VCF-style: chr2-96919744-G-C.
Other names: c.519C>G, p.Phe173Leu (NM_001193304.3); c.267C>G, p.Phe89Leu (NM_001407282.1, NM_001407283.1); short protein forms F89L, F173L.
Identifiers: ClinVar variation 3969910 (VCV003969910.1).